The following is an entry in ClinVar:

ClinVar aggregate classification (germline): Uncertain significance (1 of 4 stars; one submission).

Conditions:
Hyper-IgE recurrent infection syndrome 1, autosomal dominant. Also called: JOB SYNDROME; HYPER-IgE SYNDROME 1, AUTOSOMAL DOMINANT, WITH RECURRENT INFECTIONS; Job's Syndrome; STAT3 Hyper IgE Syndrome; Hyper-IgE recurrent infection syndrome 1. Identifiers: Orphanet 2314, MedGen C2936739, MONDO:0007818, OMIM 147060.
STAT3 gain of function. Identifiers: MedGen C4288261.

Allele frequency attached by ClinVar (database versions not stated): gnomAD exomes below 0.00001.
gnomAD v4.1: 1 of 1,614,150 alleles (0.000062%); highest among the groups gnomAD compares: Non-Finnish European, 0.000085%; no homozygotes.

Submission:

Labcorp Genetics (formerly Invitae), Labcorp
Classification: Uncertain significance for STAT3 gain of function; Hyper-IgE recurrent infection syndrome 1, autosomal dominant. Last evaluated: 2025-08-11. Review status: criteria provided, single submitter. Criteria: Invitae Variant Classification Sherloc (09022015). Collection method: clinical testing. Allele origin: germline.
Comment: This sequence change replaces glycine, which is neutral and non-polar, with glutamic acid, which is acidic and polar, at codon 421 of the STAT3 protein (p.Gly421Glu). This variant is not present in population databases (gnomAD no frequency). This variant has not been reported in the literature in individuals affected with STAT3-related conditions. ClinVar contains an entry for this variant (Variation ID: 2068744). Invitae Evidence Modeling of protein sequence and biophysical properties (such as structural, functional, and spatial information, amino acid conservation, physicochemical variation, residue mobility, and thermodynamic stability) indicates that this missense variant is not expected to disrupt STAT3 protein function with a negative predictive value of 80%. This variant disrupts the p.Gly421 amino acid residue in STAT3. Other variant(s) that disrupt this residue have been determined to be pathogenic (PMID: 25359994, 30092289, 32531373, 32901917). This suggests that this residue is clinically significant, and that variants that disrupt this residue are likely to be disease-causing. In summary, the available evidence is currently insufficient to determine the role of this variant in disease. Therefore, it has been classified as a Variant of Uncertain Significance.

Literature cited by the submitters: PubMed 25359994; PubMed 30092289; PubMed 32531373; PubMed 32901917.

NM_139276.3(STAT3):c.1262G>A (p.Gly421Glu)

Gene: STAT3 (signal transducer and activator of transcription 3; minus strand). Cytogenetic location: 17q21.2.
Variant type: single nucleotide variant.
Coding change: c.1262G>A on transcript NM_139276.3 (MANE Select); coding-DNA position 1262, G replaced by A.
Protein change: p.Gly421Glu; replaces glycine 421 with glutamic acid.
Molecular consequence: missense variant.
Genome position (GRCh38, 1-based): chr17:42,329,429, C>T on the plus strand (G>A on the coding strand, the complement: STAT3 is on the minus strand). VCF-style: chr17-42329429-C-T. GRCh37 (hg19) VCF-style: chr17-40481447-C-T.
Other names: c.1262G>A, p.Gly421Glu (NM_001369512.1, NM_001369513.1, NM_001369514.1 and 12 more transcripts); c.1184G>A, p.Gly395Glu (NM_001384985.1); c.1277G>A, p.Gly426Glu (NM_001384986.1, NM_001384990.1); c.1166G>A, p.Gly389Glu (NM_001384989.1); c.1202G>A, p.Gly401Glu (NM_001384992.1); short protein forms G401E, G426E, G389E, G395E, G421E.
Identifiers: ClinVar variation 2068744 (VCV002068744.4), dbSNP rs2081893936, ClinGen allele CA399588455.